The following is an entry in ClinVar:

NM_012123.4(MTO1):c.1090T>A (p.Cys364Ser)

Gene: MTO1 (mitochondrial tRNA translation optimization 1; plus strand). Cytogenetic location: 6q13.
Variant type: single nucleotide variant.
Coding change: c.1090T>A on transcript NM_012123.4 (MANE Select); coding-DNA position 1090, T replaced by A.
Protein change: p.Cys364Ser; replaces cysteine 364 with serine.
Molecular consequence: missense variant.
Genome position (GRCh38, 1-based): chr6:73,480,087, T>A. VCF-style: chr6-73480087-T-A. GRCh37 (hg19) VCF-style: chr6-74189810-T-A.
Other names: c.1090T>A (NM_001123226.1); c.1090T>A, p.Cys364Ser (NM_001123226.2, NM_133645.3); short protein forms C364S.
Identifiers: ClinVar variation 1517621 (VCV001517621.4), dbSNP rs755211627, ClinGen allele CA364714891.

ClinVar aggregate classification (germline): Uncertain significance. Review status: criteria provided, multiple submitters, no conflicts (2 of 4 stars). 2 submissions from 2 submitters: Uncertain significance (2). Last evaluated 2025-08-04.

Conditions:
Inborn genetic diseases. Identifiers: MedGen C0950123, MeSH D030342.
Mitochondrial hypertrophic cardiomyopathy with lactic acidosis due to MTO1 deficiency. Also called: Combined oxidative phosphorylation deficiency 10; CARDIOMYOPATHY, INFANTILE HYPERTROPHIC MITOCHONDRIAL, AND LACTIC ACIDOSIS. Identifiers: Orphanet 314637, MedGen C4749921, MONDO:0013865, OMIM 614702.

gnomAD v4.1: 22 of 1,614,112 alleles (0.0014%); highest among the groups gnomAD compares: Non-Finnish European, 0.0019%; 1 homozygote.

Submissions (2):

Ambry Genetics
Classification: Uncertain significance for Inborn genetic diseases. Last evaluated: 2025-08-04. Review status: criteria provided, single submitter. Criteria: Ambry Variant Classification Scheme 2023. Collection method: clinical testing. Allele origin: germline.

Labcorp Genetics (formerly Invitae), Labcorp
Classification: Uncertain significance for Mitochondrial hypertrophic cardiomyopathy with lactic acidosis due to MTO1 deficiency. Last evaluated: 2021-12-15. Review status: criteria provided, single submitter. Criteria: Invitae Variant Classification Sherloc (09022015). Collection method: clinical testing. Allele origin: germline.
Comment: This sequence change replaces cysteine, which is neutral and slightly polar, with serine, which is neutral and polar, at codon 364 of the MTO1 protein (p.Cys364Ser). This variant is not present in population databases (gnomAD no frequency). This variant has not been reported in the literature in individuals affected with MTO1-related conditions. Algorithms developed to predict the effect of missense changes on protein structure and function output the following: SIFT: "Tolerated"; PolyPhen-2: "Benign"; Align-GVGD: "Class C0". The serine amino acid residue is found in multiple mammalian species, which suggests that this missense change does not adversely affect protein function. In summary, the available evidence is currently insufficient to determine the role of this variant in disease. Therefore, it has been classified as a Variant of Uncertain Significance.